The following is an entry in ClinVar:

ClinVar aggregate classification (germline): Uncertain significance (1 of 4 stars; one submission).

Conditions:
RASopathy. Also called: rasopathies; Noonan spectrum disorder. Identifiers: Orphanet 536391, MedGen C5555857, MONDO:0021060.

Allele frequency attached by ClinVar (database versions not stated): TOPMed below 0.00001; gnomAD 0.00001.
gnomAD v4.1: 1 of 1,613,932 alleles (0.000062%); highest among the groups gnomAD compares: African/African-American, 0.0013%; no homozygotes.

Submission:

Labcorp Genetics (formerly Invitae), Labcorp
Classification: Uncertain significance for RASopathy. Last evaluated: 2024-10-21. Review status: criteria provided, single submitter. Criteria: Invitae Variant Classification Sherloc (09022015). Collection method: clinical testing. Allele origin: germline.
Comment: This sequence change replaces glutamic acid, which is acidic and polar, with lysine, which is basic and polar, at codon 113 of the CBL protein (p.Glu113Lys). This variant is not present in population databases (gnomAD no frequency). This variant has not been reported in the literature in individuals affected with CBL-related conditions. Invitae Evidence Modeling of protein sequence and biophysical properties (such as structural, functional, and spatial information, amino acid conservation, physicochemical variation, residue mobility, and thermodynamic stability) indicates that this missense variant is not expected to disrupt CBL protein function with a negative predictive value of 95%. In summary, the available evidence is currently insufficient to determine the role of this variant in disease. Therefore, it has been classified as a Variant of Uncertain Significance.

NM_005188.4(CBL):c.337G>A (p.Glu113Lys)

Gene: CBL (Cbl proto-oncogene; plus strand). Cytogenetic location: 11q23.3.
Variant type: single nucleotide variant.
Coding change: c.337G>A on transcript NM_005188.4 (MANE Select); coding-DNA position 337, G replaced by A.
Protein change: p.Glu113Lys; replaces glutamic acid 113 with lysine.
Molecular consequence: missense variant.
Genome position (GRCh38, 1-based): chr11:119,232,589, G>A. VCF-style: chr11-119232589-G-A. GRCh37 (hg19) VCF-style: chr11-119103299-G-A.
Other names: short protein forms E113K.
Identifiers: ClinVar variation 2885153 (VCV002885153.3), dbSNP rs1414058182, ClinGen allele CA382895058.